The following is an entry in ClinVar:

ClinVar aggregate classification (germline): Uncertain significance (1 of 4 stars; one submission).

Conditions:
Congenital insensitivity to pain-hypohidrosis syndrome. Also called: HSAN VIII; Neuropathy, hereditary sensory and autonomic, type VIII. Identifiers: Orphanet 478664, MedGen C4225308, MONDO:0014662, OMIM 616488.

Allele frequency attached by ClinVar (database versions not stated): gnomAD exomes below 0.00001.

Submission:

Labcorp Genetics (formerly Invitae), Labcorp
Classification: Uncertain significance for Congenital insensitivity to pain-hypohidrosis syndrome. Last evaluated: 2022-07-11. Review status: criteria provided, single submitter. Criteria: Invitae Variant Classification Sherloc (09022015). Collection method: clinical testing. Allele origin: germline.
Comment: In summary, the available evidence is currently insufficient to determine the role of this variant in disease. Therefore, it has been classified as a Variant of Uncertain Significance. Algorithms developed to predict the effect of missense changes on protein structure and function are either unavailable or do not agree on the potential impact of this missense change (SIFT: "Deleterious"; PolyPhen-2: "Benign"; Align-GVGD: "Class C0"). This variant has not been reported in the literature in individuals affected with PRDM12-related conditions. This variant is not present in population databases (gnomAD no frequency). This sequence change replaces arginine, which is basic and polar, with leucine, which is neutral and non-polar, at codon 297 of the PRDM12 protein (p.Arg297Leu).

NM_021619.3(PRDM12):c.890G>T (p.Arg297Leu)

Gene: PRDM12 (PR/SET domain 12; plus strand). Cytogenetic location: 9q34.12.
Variant type: single nucleotide variant.
Coding change: c.890G>T on transcript NM_021619.3 (MANE Select); coding-DNA position 890, G replaced by T.
Protein change: p.Arg297Leu; replaces arginine 297 with leucine.
Molecular consequence: missense variant.
Genome position (GRCh38, 1-based): chr9:130,681,455, G>T. VCF-style: chr9-130681455-G-T. GRCh37 (hg19) VCF-style: chr9-133556842-G-T.
Other names: short protein forms R297L.
Identifiers: ClinVar variation 2011153 (VCV002011153.4), dbSNP rs1830900080, ClinGen allele CA375244910.
Genomic context (GRCh38, chr9:130,681,455, plus strand): 5'-ACCGCCGCTTCAGCCAGTCGTCCACGCTGCGCAACCACGTGCGCCTGCACACGGGCGAGC[G>T]CCCCTACAAGTGCCAGGTGTGCCAGAGCGCCTACTCGCAGCTGGCCGGCCTGCGCGCCCA-3'
Protein context (NP_067632.2, residues 287-307): RNHVRLHTGE[Arg297Leu]PYKCQVCQSA